The following is an entry in ClinVar:

ClinVar aggregate classification (germline): Conflicting classifications of pathogenicity. Review status: criteria provided, conflicting classifications (1 of 4 stars). 2 submissions from 2 submitters: Uncertain significance (1); Likely benign (1). Last evaluated 2025-12-08.

Conditions:
Inborn genetic diseases. Identifiers: MedGen C0950123, MeSH D030342.

Allele frequency attached by ClinVar (database versions not stated): gnomAD exomes 0.00001 and 0.00006; TOPMed 0.00002; ExAC 0.00004.
gnomAD v4.1: 10 of 1,408,920 alleles (0.00071%); highest among the groups gnomAD compares: Admixed American, 0.02%; no homozygotes.

Submissions (2):

Labcorp Genetics (formerly Invitae), Labcorp
Classification: Uncertain significance. Last evaluated: 2025-12-08. Review status: criteria provided, single submitter. Criteria: Invitae Variant Classification Sherloc (09022015). Collection method: clinical testing. Allele origin: germline.
Comment: This sequence change replaces arginine, which is basic and polar, with glycine, which is neutral and non-polar, at codon 44 of the DEAF1 protein (p.Arg44Gly). The frequency data for this variant in the population databases is considered unreliable, as metrics indicate poor data quality at this position in the gnomAD database. This variant has not been reported in the literature in individuals affected with DEAF1-related conditions. ClinVar contains an entry for this variant (Variation ID: 1524373). Invitae Evidence Modeling of protein sequence and biophysical properties (such as structural, functional, and spatial information, amino acid conservation, physicochemical variation, residue mobility, and thermodynamic stability) has been performed for this missense variant. However, the output from this modeling did not meet the statistical confidence thresholds required to predict the impact of this variant on DEAF1 protein function. In summary, the available evidence is currently insufficient to determine the role of this variant in disease. Therefore, it has been classified as a Variant of Uncertain Significance.

Ambry Genetics
Classification: Likely benign for Inborn genetic diseases. Last evaluated: 2021-09-17. Review status: criteria provided, single submitter. Criteria: Ambry Variant Classification Scheme 2023. Collection method: clinical testing. Allele origin: germline.

NM_021008.4(DEAF1):c.130A>G (p.Arg44Gly)

Gene: DEAF1 (DEAF1 transcription factor; minus strand). Cytogenetic location: 11p15.5.
Variant type: single nucleotide variant.
Coding change: c.130A>G on transcript NM_021008.4 (MANE Select); coding-DNA position 130, A replaced by G.
Protein change: p.Arg44Gly; replaces arginine 44 with glycine.
Molecular consequence: missense variant. On other transcripts: intron variant (1).
Genome position (GRCh38, 1-based): chr11:694,918, T>C on the plus strand (A>G on the coding strand, the complement: DEAF1 is on the minus strand). VCF-style: chr11-694918-T-C. GRCh37 (hg19) VCF-style: chr11-694918-T-C.
Other names: c.130A>G, p.Arg44Gly (NM_001293634.2); c.-437-3320A>G (NM_001367390.1); short protein forms R44G.
Identifiers: ClinVar variation 1524373 (VCV001524373.7), dbSNP rs755103579, ClinGen allele CA5786643.